The following is an entry in ClinVar:

NM_022089.4(ATP13A2):c.533_536dup (p.Gln179fs)

Gene: ATP13A2 (ATPase cation transporting 13A2; minus strand). Cytogenetic location: 1p36.13.
Variant type: Duplication.
Coding change: c.533_536dup on transcript NM_022089.4 (MANE Select); coding-DNA positions 533 to 536, 4 bases duplicated (CCCA; older notation c.533_536dupCCCA).
Protein change: p.Gln179fs; shifts the reading frame from glutamine 179.
Molecular consequence: frameshift variant.
Genome position (GRCh38, 1-based): chr1:17,004,353-17,004,356, TGGG duplicated on the plus strand (CCCA on the coding strand, the reverse complement: ATP13A2 is on the minus strand); duplicating any 4 consecutive bases within chr1:17,004,353-17,004,357 gives the same sequence; the c. name uses the placement nearest the transcript's 3' end. VCF-style (leftmost placement, unchanged base first): chr1-17004352-C-CTGGG. GRCh37 (hg19) VCF-style: chr1-17330847-C-CTGGG.
Other names: c.518_521dup, p.Gln174fs (NM_001141973.3, NM_001141974.3); short protein forms Q179fs, Q174fs.
Identifiers: ClinVar variation 2064277 (VCV002064277.4), dbSNP rs2524336523, ClinGen allele CA2580060606.

ClinVar aggregate classification (germline): Pathogenic (1 of 4 stars; one submission).

Conditions:
Kufor-Rakeb syndrome (KRS). Also called: PARKINSON DISEASE 9, AUTOSOMAL RECESSIVE, JUVENILE-ONSET. Identifiers: Orphanet 306674, Orphanet 314632, MedGen C1847640, MONDO:0011706, OMIM 606693.
Autosomal recessive spastic paraplegia type 78. Identifiers: Orphanet 513436, MedGen C5567893, MONDO:0014975, OMIM 617225.

Submission:

Labcorp Genetics (formerly Invitae), Labcorp
Classification: Pathogenic for Kufor-Rakeb syndrome; Autosomal recessive spastic paraplegia type 78. Last evaluated: 2022-04-04. Review status: criteria provided, single submitter. Criteria: Invitae Variant Classification Sherloc (09022015). Collection method: clinical testing. Allele origin: germline.
Comment: For these reasons, this variant has been classified as Pathogenic. This variant has not been reported in the literature in individuals affected with ATP13A2-related conditions. This variant is not present in population databases (gnomAD no frequency). This sequence change creates a premature translational stop signal (p.Gln179Hisfs*18) in the ATP13A2 gene. It is expected to result in an absent or disrupted protein product. Loss-of-function variants in ATP13A2 are known to be pathogenic (PMID: 16964263, 21696388).

Literature cited by the submitters: PubMed 16964263; PubMed 21696388.